The following is an entry in ClinVar:

ClinVar aggregate classification (germline): Uncertain significance (1 of 4 stars; one submission).

gnomAD v4.1: 5 of 1,613,890 alleles (0.00031%); highest among the groups gnomAD compares: Non-Finnish European, 0.00042%; no homozygotes.

Submission:

Ambry Genetics
Classification: Uncertain significance. Last evaluated: 2025-06-01. Review status: criteria provided, single submitter. Criteria: Ambry Variant Classification Scheme 2023. Collection method: clinical testing. Allele origin: germline.
Comment: The p.T1522P variant (also known as c.4564A>C), located in coding exon 33 of the MYOM1 gene, results from an A to C substitution at nucleotide position 4564. The threonine at codon 1522 is replaced by proline, an amino acid with highly similar properties. This amino acid position is conserved. In addition, the in silico prediction for this alteration is inconclusive. Based on the available evidence, the clinical significance of this variant remains unclear.

NM_003803.4(MYOM1):c.4564A>C (p.Thr1522Pro)

Gene: MYOM1 (myomesin 1; minus strand). Cytogenetic location: 18p11.31.
Variant type: single nucleotide variant.
Coding change: c.4564A>C on transcript NM_003803.4 (MANE Select); coding-DNA position 4564, A replaced by C.
Protein change: p.Thr1522Pro; replaces threonine 1522 with proline.
Molecular consequence: missense variant.
Genome position (GRCh38, 1-based): chr18:3,079,263, T>G on the plus strand (A>C on the coding strand, the complement: MYOM1 is on the minus strand). VCF-style: chr18-3079263-T-G. GRCh37 (hg19) VCF-style: chr18-3079261-T-G.
Other names: c.4276A>C, p.Thr1426Pro (NM_019856.2); short protein forms T1426P, T1522P.
Identifiers: ClinVar variation 3916564 (VCV003916564.1).
Genomic context (GRCh38, chr18:3,079,263, plus strand): 5'-TCTGATGTCCAGTTTTGCCATCAAAGAGCTCCATGACATACTTCCCTTTGTCATTCGGGG[T>G]GGGCTCGTTGATTTGTAGCCAGATCTGCTCTCCAGTGACCCCGGTCTTAACTCTGTCTGA-3'
Protein context (NP_003794.3, residues 1512-1532): EQIWLQINEP[Thr1522Pro]PNDKGKYVME